The following is an entry in ClinVar:

ClinVar aggregate classification (germline): Uncertain significance (1 of 4 stars; one submission).

Submission:

Labcorp Genetics (formerly Invitae), Labcorp
Classification: Uncertain significance. Last evaluated: 2022-10-16. Review status: criteria provided, single submitter. Criteria: Invitae Variant Classification Sherloc (09022015). Collection method: clinical testing. Allele origin: germline.
Comment: In summary, the available evidence is currently insufficient to determine the role of this variant in disease. Therefore, it has been classified as a Variant of Uncertain Significance. Algorithms developed to predict the effect of missense changes on protein structure and function (SIFT, PolyPhen-2, Align-GVGD) all suggest that this variant is likely to be tolerated. This variant has not been reported in the literature in individuals affected with TAOK2-related conditions. This variant is not present in population databases (gnomAD no frequency). This sequence change replaces leucine, which is neutral and non-polar, with valine, which is neutral and non-polar, at codon 109 of the TAOK2 protein (p.Leu109Val).

NM_016151.4(TAOK2):c.325C>G (p.Leu109Val)

Gene: TAOK2 (TAO kinase 2; plus strand). Cytogenetic location: 16p11.2.
Variant type: single nucleotide variant.
Coding change: c.325C>G on transcript NM_016151.4 (MANE Select); coding-DNA position 325, C replaced by G.
Protein change: p.Leu109Val; replaces leucine 109 with valine.
Molecular consequence: missense variant.
Genome position (GRCh38, 1-based): chr16:29,978,817, C>G. VCF-style: chr16-29978817-C-G. GRCh37 (hg19) VCF-style: chr16-29990138-C-G.
Other names: c.325C>G, p.Leu109Val (NM_001252043.2, NM_004783.4); short protein forms L109V.
Identifiers: ClinVar variation 2079791 (VCV002079791.4), dbSNP rs1283979500, ClinGen allele CA395470859.